The following is an entry in ClinVar:

NM_000179.3(MSH6):c.*3_*9del

Gene: MSH6 (mutS homolog 6; plus strand). Cytogenetic location: 2p16.3.
Variant type: Deletion.
Coding change: c.*3_*9del on transcript NM_000179.3 (MANE Select); 3 bases downstream of the stop codon through 9 bases downstream of the stop codon, 7 bases deleted (TGACTAC; older notation c.*3_*9delTGACTAC).
Molecular consequence: 3 prime UTR variant. On other transcripts: non-coding transcript variant (5).
Genome position (GRCh38, 1-based): chr2:47,806,863-47,806,869, TGACTAC deleted; deleting any 7 consecutive bases within chr2:47,806,861-47,806,869 gives the same sequence; the c. name uses the placement nearest the transcript's 3' end. VCF-style (leftmost placement, unchanged base first): chr2-47806860-GACTGACT-G. GRCh37 (hg19) VCF-style: chr2-48033999-GACTGACT-G.
Other names: c.*3_*9del (NM_001281492.2, NM_001281493.2, NM_001281494.2 and 33 more transcripts); c.*107_*113del (NM_001406800.1); c.*67_*73del (NM_001406801.1, NM_001406802.1, NM_001406808.1 and 1 more transcripts).
Identifiers: ClinVar variation 3904391 (VCV003904391.1).
Genomic context (GRCh38, chr2:47,806,860, plus strand): 5'-AAGGTCAACTGTAGATGCTGAAGCTGTCCATAAATTGCTGACTTTGATTAAGGAATTATA[GACTGACT>G]ACATTGGAAGCTTTGAGTTGACTTCTGACAAAGGTGGTAAATTCAGACAACATTATGATC-3'

ClinVar aggregate classification (germline): Benign (1 of 4 stars; one submission).

Conditions:
Lynch syndrome 5 (LYNCH5). Also called: Colorectal cancer, hereditary nonpolyposis, type 5; Hereditary non-polyposis colorectal cancer, type 5. Identifiers: Orphanet 144, MedGen C1833477, MONDO:0013710, OMIM 614350. Disease mechanism: loss of function.

Submission:

Myriad Genetics, Inc.
Classification: Benign for Lynch syndrome 5. Last evaluated: 2025-01-09. Review status: criteria provided, single submitter. Criteria: Myriad Autosomal Dominant, Autosomal Recessive and X-Linked Classification Criteria (2023). Collection method: clinical testing. Allele origin: unknown.
Comment: This variant is considered benign. This variant occurs in the non-coding 3' untranslated region of the gene, and is not expected to impact protein function.